The following is an entry in ClinVar:

ClinVar aggregate classification (germline): Benign/Likely benign. Review status: criteria provided, multiple submitters, no conflicts (2 of 4 stars). 3 submissions from 3 submitters: Benign (1); Likely benign (2). Last evaluated 2025-02-25.

Conditions:
Papillary renal cell carcinoma type 1 (RCCP1). Also called: Renal adenocarcinoma; Renal cell carcinoma 1; Renal cell carcinoma, somatic; RENAL CELL CARCINOMA, PAPILLARY, 1, SOMATIC. Identifiers: Orphanet 47044, MedGen C1336839, OMIM 605074, HP:0011797.
Hereditary cancer-predisposing syndrome. Also called: Hereditary neoplastic syndrome; Neoplastic Syndromes, Hereditary; Tumor predisposition; Hereditary Cancer Syndrome. Identifiers: Orphanet 140162, MedGen C0027672, MeSH D009386, MONDO:0015356.
Renal cell carcinoma. Identifiers: Orphanet 217071, MedGen C0007134, MeSH D002292, MONDO:0005086, HP:0005584.

Allele frequency attached by ClinVar (database versions not stated): ExAC 0.00001; gnomAD exomes 0.00001.
gnomAD v4.1: 5 of 1,614,152 alleles (0.00031%); highest among the groups gnomAD compares: South Asian, 0.0033%; 1 homozygote.

Submissions (3):

Labcorp Genetics (formerly Invitae), Labcorp
Classification: Likely benign for Renal cell carcinoma. Last evaluated: 2025-02-25. Review status: criteria provided, single submitter. Criteria: Invitae Variant Classification Sherloc (09022015). Collection method: clinical testing. Allele origin: germline.

Myriad Genetics, Inc.
Classification: Benign for Papillary renal cell carcinoma type 1. Last evaluated: 2024-11-14. Review status: criteria provided, single submitter. Criteria: Myriad Autosomal Dominant, Autosomal Recessive and X-Linked Classification Criteria (2023). Collection method: clinical testing. Allele origin: unknown.
Comment: This variant is considered benign. This variant is a silent/synonymous amino acid change and it is not expected to impact splicing.

Ambry Genetics
Classification: Likely benign for Hereditary cancer-predisposing syndrome. Last evaluated: 2022-02-26. Review status: criteria provided, single submitter. Criteria: Ambry Variant Classification Scheme 2023. Collection method: clinical testing. Allele origin: germline.

NM_000245.4(MET):c.3672T>C (p.Gly1224=)

Gene: MET (MET proto-oncogene, receptor tyrosine kinase; plus strand). Cytogenetic location: 7q31.2.
Variant type: single nucleotide variant.
Coding change: c.3672T>C on transcript NM_000245.4 (MANE Select); coding-DNA position 3672, T replaced by C.
Protein change: p.Gly1224=; no amino-acid change (glycine 1224 retained).
Molecular consequence: synonymous variant.
Genome position (GRCh38, 1-based): chr7:116,783,343, T>C. VCF-style: chr7-116783343-T-C. GRCh37 (hg19) VCF-style: chr7-116423397-T-C.
Other names: c.3726T>C, p.Gly1242= (NM_001127500.3); c.2382T>C, p.Gly794= (NM_001324402.2).
Identifiers: ClinVar variation 1126276 (VCV001126276.12), dbSNP rs762218595, ClinGen allele CA4448763.